The following is an entry in ClinVar:

ClinVar aggregate classification (germline): Uncertain significance. Review status: criteria provided, multiple submitters, no conflicts (2 of 4 stars). 3 submissions from 3 submitters: Uncertain significance (2). 1 of the submissions does not count toward it. Last evaluated 2025-03-13.

Conditions:
Cardiovascular phenotype. Identifiers: MedGen CN230736.
Hereditary cancer-predisposing syndrome. Also called: Tumor predisposition; Neoplastic Syndromes, Hereditary; Hereditary neoplastic syndrome; Hereditary Cancer Syndrome. Identifiers: Orphanet 140162, MedGen C0027672, MeSH D009386, MONDO:0015356.
Neurofibromatosis, type 1 (NF1). Also called: VON RECKLINGHAUSEN DISEASE; NEUROFIBROMATOSIS, TYPE I, SOMATIC; Peripheral type neurofibromatosis; Neurofibromatosis, type I. Identifiers: Orphanet 636, MedGen C0027831, MONDO:0018975, OMIM 162200. Disease mechanism: loss of function.

Submissions (3):

Ambry Genetics
Classification: Uncertain significance for Cardiovascular phenotype; Hereditary cancer-predisposing syndrome. Last evaluated: 2025-03-13. Review status: criteria provided, single submitter. Criteria: Ambry Variant Classification Scheme 2023. Collection method: clinical testing. Allele origin: germline.
Comment: The p.E1333G variant (also known as c.3998A>G), located in coding exon 30 of the NF1 gene, results from an A to G substitution at nucleotide position 3998. The glutamic acid at codon 1333 is replaced by glycine, an amino acid with similar properties. This amino acid position is well conserved in available vertebrate species. In addition, the in silico prediction for this alteration is inconclusive. Based on the available evidence, the clinical significance of this variant remains unclear.

Labcorp Genetics (formerly Invitae), Labcorp
Classification: Uncertain significance for Neurofibromatosis, type 1. Last evaluated: 2025-01-13. Review status: criteria provided, single submitter. Criteria: Invitae Variant Classification Sherloc (09022015). Collection method: clinical testing. Allele origin: germline.
Comment: This sequence change replaces glutamic acid, which is acidic and polar, with glycine, which is neutral and non-polar, at codon 1333 of the NF1 protein (p.Glu1333Gly). This variant is not present in population databases (gnomAD no frequency). This variant has not been reported in the literature in individuals affected with NF1-related conditions. ClinVar contains an entry for this variant (Variation ID: 41671). Invitae Evidence Modeling of protein sequence and biophysical properties (such as structural, functional, and spatial information, amino acid conservation, physicochemical variation, residue mobility, and thermodynamic stability) indicates that this missense variant is expected to disrupt NF1 protein function with a positive predictive value of 95%. In summary, the available evidence is currently insufficient to determine the role of this variant in disease. Therefore, it has been classified as a Variant of Uncertain Significance.

Biesecker Lab/Clinical Genomics Section, National Institutes of Health
Classification: Uncertain significance. Last evaluated: 2012-07-13. Review status: no assertion criteria provided. Collection method: research. Allele origin: germline. Affected: no. Observed: 1 variant allele. Study: ClinSeq. Not counted in ClinVar's aggregate classification.
ClinVar note: Converted during submission from variant of unknown significance to Uncertain significance.

NM_001042492.3(NF1):c.3998A>G (p.Glu1333Gly)

Gene: NF1 (neurofibromin 1; plus strand). Cytogenetic location: 17q11.2.
Variant type: single nucleotide variant.
Coding change: c.3998A>G on transcript NM_001042492.3 (MANE Select); coding-DNA position 3998, A replaced by G.
Protein change: p.Glu1333Gly; replaces glutamic acid 1333 with glycine.
Molecular consequence: missense variant.
Genome position (GRCh38, 1-based): chr17:31,249,007, A>G. VCF-style: chr17-31249007-A-G. GRCh37 (hg19) VCF-style: chr17-29576025-A-G.
Other names: c.3998A>G, p.Glu1333Gly (NM_000267.4); short protein forms E1333G.
Identifiers: ClinVar variation 41671 (VCV000041671.12), dbSNP rs200618072, ClinGen allele CA215740.